The following is an entry in ClinVar:

ClinVar aggregate classification (germline): Conflicting classifications of pathogenicity. Review status: criteria provided, conflicting classifications (1 of 4 stars). 5 submissions from 5 submitters: Uncertain significance (4); Likely benign (1). Last evaluated 2025-11-03.

Conditions:
Macrothrombocytopenia and granulocyte inclusions with or without nephritis or sensorineural hearing loss (MATINS). Also called: DOHLE LEUKOCYTE INCLUSIONS WITH GIANT PLATELETS; MAY-HEGGLIN ANOMALY; SEBASTIAN PLATELET SYNDROME; MACROTHROMBOCYTOPENIA WITH DISPERSED LEUKOCYTIC INCLUSIONS; MACROTHROMBOCYTOPENIA, NEPHRITIS, AND DEAFNESS; MACROTHROMBOCYTOPENIA, NEPHRITIS, DEAFNESS, AND LEUKOCYTE INCLUSIONS. Identifiers: Orphanet 182050, MedGen C5200934, MONDO:0015912, OMIM 155100.
Inborn genetic diseases. Identifiers: MedGen C0950123, MeSH D030342.
Autosomal dominant nonsyndromic hearing loss 17. Also called: Autosomal dominant nonsyndromic deafness 17; Deafness, autosomal dominant 17. Identifiers: Orphanet 90635, MedGen C1863659, MONDO:0011350, OMIM 603622.

Allele frequency attached by ClinVar (database versions not stated): gnomAD exomes below 0.00001 and 0.00001; gnomAD 0.00001.
gnomAD v4.1: 5 of 1,613,884 alleles (0.00031%); highest among the groups gnomAD compares: East Asian, 0.0022%; no homozygotes.

Submissions (5):

Labcorp Genetics (formerly Invitae), Labcorp
Classification: Likely benign. Last evaluated: 2025-11-03. Review status: criteria provided, single submitter. Criteria: Invitae Variant Classification Sherloc (09022015). Collection method: clinical testing. Allele origin: germline.

Mayo Clinic Laboratories, Mayo Clinic
Classification: Uncertain significance. Last evaluated: 2024-12-16. Review status: criteria provided, single submitter. Criteria: ACMG Guidelines, 2015. Collection method: clinical testing. Allele origin: germline. Observed: 1 variant allele.
Comment: PP2

Ambry Genetics
Classification: Uncertain significance for Inborn genetic diseases. Last evaluated: 2023-11-14. Review status: criteria provided, single submitter. Criteria: Ambry Variant Classification Scheme 2023. Collection method: clinical testing. Allele origin: germline.

Fulgent Genetics
Classification: Uncertain significance for Macrothrombocytopenia and granulocyte inclusions with or without nephritis or sensorineural hearing loss; Autosomal dominant nonsyndromic hearing loss 17. Last evaluated: 2022-03-08. Review status: criteria provided, single submitter. Criteria: ACMG Guidelines, 2015. Collection method: clinical testing. Allele origin: unknown.

New York Genome Center
Classification: Uncertain significance for Macrothrombocytopenia and granulocyte inclusions with or without nephritis or sensorineural hearing loss. Last evaluated: 2021-01-29. Review status: criteria provided, single submitter. Criteria: NYGC Assertion Criteria 2020. Collection method: clinical testing. Allele origin: inherited. Observed: 1 heterozygote. Study: CSER-NYCKidSeq.

NM_002473.6(MYH9):c.3193G>A (p.Ala1065Thr)

Gene: MYH9 (myosin heavy chain 9; minus strand). Cytogenetic location: 22q12.3.
Variant type: single nucleotide variant.
Coding change: c.3193G>A on transcript NM_002473.6 (MANE Select); coding-DNA position 3193, G replaced by A.
Protein change: p.Ala1065Thr; replaces alanine 1065 with threonine.
Molecular consequence: missense variant.
Genome position (GRCh38, 1-based): chr22:36,296,922, C>T on the plus strand (G>A on the coding strand, the complement: MYH9 is on the minus strand). VCF-style: chr22-36296922-C-T. GRCh37 (hg19) VCF-style: chr22-36692968-C-T.
Other names: p.Ala1065Thr; c.3193G>A (NM_002473.4); short protein forms A1065T.
Identifiers: ClinVar variation 1341864 (VCV001341864.7), dbSNP rs1423642805, ClinGen allele CA411389481.